The following is an entry in ClinVar:

NM_000051.4(ATM):c.864del (p.Ile287_Tyr288insTer)

Gene: ATM (ATM serine/threonine kinase; plus strand). Cytogenetic location: 11q22.3.
Variant type: Deletion.
Coding change: c.864del on transcript NM_000051.4 (MANE Select); coding-DNA position 864, one base deleted (T; older notation c.864delT).
Protein change: p.Ile287_Tyr288insTer.
Molecular consequence: nonsense.
Genome position (GRCh38, 1-based): chr11:108,244,989, T deleted. VCF-style (leftmost placement, unchanged base first): chr11-108244988-AT-A. GRCh37 (hg19) VCF-style: chr11-108115715-AT-A.
Other names: c.864delT (NM_000051.3); c.864del, p.Ile287_Tyr288insTer (NM_001351834.2).
Identifiers: ClinVar variation 630896 (VCV000630896.14), dbSNP rs1565372075, ClinGen allele CA913188442.

ClinVar aggregate classification (germline): Pathogenic. Review status: criteria provided, multiple submitters, no conflicts (2 of 4 stars). 2 submissions from 2 submitters: Pathogenic (2). Last evaluated 2024-10-15.

Conditions:
Hereditary cancer-predisposing syndrome. Also called: Hereditary Cancer Syndrome; Neoplastic Syndromes, Hereditary; Tumor predisposition; Hereditary neoplastic syndrome. Identifiers: Orphanet 140162, MedGen C0027672, MeSH D009386, MONDO:0015356.
Ataxia-telangiectasia syndrome (AT). Also called: Ataxia-telangiectasia, complementation group D; AT, COMPLEMENTATION GROUP C; Ataxia-telangiectasia; ATAXIA-TELANGIECTASIA, COMPLEMENTATION GROUP A; ATAXIA-TELANGIECTASIA, FRESNO VARIANT; LOUIS-BAR SYNDROME. Identifiers: Orphanet 100, MedGen C0004135, MONDO:0008840, OMIM 208900.

Allele frequency attached by ClinVar (database versions not stated): gnomAD exomes below 0.00001.

Submissions (2):

Labcorp Genetics (formerly Invitae), Labcorp
Classification: Pathogenic for Ataxia-telangiectasia syndrome. Last evaluated: 2024-10-15. Review status: criteria provided, single submitter. Criteria: Invitae Variant Classification Sherloc (09022015). Collection method: clinical testing. Allele origin: germline.
Comment: This sequence change creates a premature translational stop signal (p.Tyr288*) in the ATM gene. It is expected to result in an absent or disrupted protein product. Loss-of-function variants in ATM are known to be pathogenic (PMID: 23807571, 25614872). This variant is not present in population databases (gnomAD no frequency). This premature translational stop signal has been observed in individual(s) with breast cancer (PMID: 25186627). ClinVar contains an entry for this variant (Variation ID: 630896). For these reasons, this variant has been classified as Pathogenic.

Color Diagnostics, LLC DBA Color Health
Classification: Pathogenic for Hereditary cancer-predisposing syndrome. Last evaluated: 2020-04-24. Review status: criteria provided, single submitter. Criteria: ACMG Guidelines, 2015. Collection method: clinical testing. Allele origin: germline.
Comment: This variant deletes 1 nucleotide in exon 7 of the ATM gene, creating a frameshift and premature translation stop signal. This variant is expected to result in an absent or non-functional protein product. This variant has not been identified in the general population by the Genome Aggregation Database (gnomAD). Loss of ATM function is a known mechanism of disease. Based on the available evidence, this variant is classified as Pathogenic.

Literature cited by the submitters: PubMed 23807571 (cited by Labcorp Genetics (formerly Invitae), Labcorp); PubMed 25614872 (cited by Labcorp Genetics (formerly Invitae), Labcorp); PubMed 25186627 (cited by Labcorp Genetics (formerly Invitae), Labcorp).